The following is an entry in ClinVar:

NC_000015.9:g.(?_40457244)_(40457407_?)dup

Gene: BUB1B (BUB1 mitotic checkpoint serine/threonine kinase B; plus strand). Cytogenetic location: 15q15.1.
Variant type: Duplication.
Identifiers: ClinVar variation 1387152 (VCV001387152.5).

ClinVar aggregate classification (germline): Uncertain significance (1 of 4 stars; one submission).

Conditions:
Mosaic variegated aneuploidy syndrome 1 (MVA1). Also called: Warburton-Anyane-Yeboa syndrome. Identifiers: Orphanet 1052, MedGen C1850343, MONDO:0009759, OMIM 257300.

Submission:

Labcorp Genetics (formerly Invitae), Labcorp
Classification: Uncertain significance for Mosaic variegated aneuploidy syndrome 1. Last evaluated: 2023-03-07. Review status: criteria provided, single submitter. Criteria: Invitae Variant Classification Sherloc (09022015). Collection method: clinical testing. Allele origin: germline.
Comment: In summary, the available evidence is currently insufficient to determine the role of this variant in disease. Therefore, it has been classified as a Variant of Uncertain Significance. This variant has not been reported in the literature in individuals affected with BUB1B-related conditions. This variant results in a copy number gain of the genomic region encompassing exon(s) 2 of the BUB1B gene. While the exact position of this variant cannot be determined from the data, sub-genic copy number gains are generally in tandem (PMID: 25640679). This variant is predicted to be in-frame, and likely preserves the integrity of the reading frame.

Literature cited by the submitters: PubMed 25640679.